The following is an entry in ClinVar:

ClinVar aggregate classification (germline): Uncertain significance (1 of 4 stars; one submission).

Conditions:
Severe early-onset pulmonary alveolar proteinosis due to MARS deficiency. Also called: PULMONARY ALVEOLAR PROTEINOSIS, REUNION ISLAND; Interstitial lung and liver disease. Identifiers: Orphanet 440427, MedGen C4225400, MONDO:0014206, OMIM 615486.
Charcot-Marie-Tooth disease axonal type 2U. Also called: CHARCOT-MARIE-TOOTH NEUROPATHY, TYPE 2U; CHARCOT-MARIE-TOOTH DISEASE, AXONAL, AUTOSOMAL DOMINANT, TYPE 2U. Identifiers: Orphanet 397735, MedGen C4084821, MONDO:0014566, OMIM 616280.

Submission:

Labcorp Genetics (formerly Invitae), Labcorp
Classification: Uncertain significance for Charcot-Marie-Tooth disease axonal type 2U; Severe early-onset pulmonary alveolar proteinosis due to MARS deficiency. Last evaluated: 2023-12-30. Review status: criteria provided, single submitter. Criteria: Invitae Variant Classification Sherloc (09022015). Collection method: clinical testing. Allele origin: germline.
Comment: This sequence change replaces alanine, which is neutral and non-polar, with valine, which is neutral and non-polar, at codon 322 of the MARS protein (p.Ala322Val). This variant is not present in population databases (gnomAD no frequency). This variant has not been reported in the literature in individuals affected with MARS-related conditions. An algorithm developed to predict the effect of missense changes on protein structure and function (PolyPhen-2) suggests that this variant is likely to be disruptive. In summary, the available evidence is currently insufficient to determine the role of this variant in disease. Therefore, it has been classified as a Variant of Uncertain Significance.

NM_004990.4(MARS1):c.965C>T (p.Ala322Val)

Gene: MARS1 (methionyl-tRNA synthetase 1; plus strand). Cytogenetic location: 12q13.3.
Variant type: single nucleotide variant.
Coding change: c.965C>T on transcript NM_004990.4 (MANE Select); coding-DNA position 965, C replaced by T.
Protein change: p.Ala322Val; replaces alanine 322 with valine.
Molecular consequence: missense variant.
Genome position (GRCh38, 1-based): chr12:57,498,497, C>T. VCF-style: chr12-57498497-C-T. GRCh37 (hg19) VCF-style: chr12-57892280-C-T.
Other names: short protein forms A322V.
Identifiers: ClinVar variation 2938459 (VCV002938459.3), dbSNP rs2540286845, ClinGen allele CA385455652.